The following is an entry in ClinVar:

NM_206926.2(SELENON):c.919G>A (p.Val307Met)

Gene: SELENON (selenoprotein N; plus strand). Cytogenetic location: 1p36.11.
Variant type: single nucleotide variant.
Coding change: c.919G>A on transcript NM_206926.2 (MANE Select); coding-DNA position 919, G replaced by A.
Protein change: p.Val307Met; replaces valine 307 with methionine.
Molecular consequence: missense variant.
Genome position (GRCh38, 1-based): chr1:25,811,464, G>A. VCF-style: chr1-25811464-G-A. GRCh37 (hg19) VCF-style: chr1-26137955-G-A.
Other names: c.1021G>A, p.Val341Met (NM_020451.3); short protein forms V307M, V341M.
Identifiers: ClinVar variation 4781690 (VCV004781690.1).

ClinVar aggregate classification (germline): Uncertain significance (1 of 4 stars; one submission).

Conditions:
Eichsfeld type congenital muscular dystrophy (CMYO3). Also called: MYOPATHY, SEPN1-RELATED; Rigid spine muscular dystrophy 1; SELENON-related myopathy; Congenital myopathy 3 with rigid spine. Identifiers: MedGen C0410180, MONDO:0100100, OMIM 602771.

Submission:

Labcorp Genetics (formerly Invitae), Labcorp
Classification: Uncertain significance for Eichsfeld type congenital muscular dystrophy. Last evaluated: 2025-06-22. Review status: criteria provided, single submitter. Criteria: Invitae Variant Classification Sherloc (09022015). Collection method: clinical testing. Allele origin: germline.
Comment: This sequence change replaces valine, which is neutral and non-polar, with methionine, which is neutral and non-polar, at codon 341 of the SELENON protein (p.Val341Met). This variant is present in population databases (rs779700795, gnomAD 0.008%). This missense change has been observed in individual(s) with clinical features of SELENON-related conditions (internal data). An algorithm developed to predict the effect of missense changes on protein structure and function (PolyPhen-2) suggests that this variant is likely to be disruptive. In summary, the available evidence is currently insufficient to determine the role of this variant in disease. Therefore, it has been classified as a Variant of Uncertain Significance.